The following is an entry in ClinVar:

ClinVar aggregate classification (germline): Likely benign. Review status: criteria provided, multiple submitters, no conflicts (2 of 4 stars). 2 submissions from 2 submitters: Likely benign (2). Last evaluated 2026-08-13.

Conditions:
Bardet-Biedl syndrome (BBS). Identifiers: Orphanet 110, MedGen C0752166, MONDO:0015229.
BBS2-related disorder. Also called: BBS2-related disorders; BBS2-related condition. Identifiers: MedGen CN239228.

Submissions (2):

PreventionGenetics, part of Exact Sciences
Classification: Likely benign for BBS2-related condition. Last evaluated: 2026-08-13. Review status: criteria provided, single submitter. Criteria: ACMG Guidelines, 2015. Collection method: clinical testing. Allele origin: germline.
Comment: This variant is classified as likely benign based on ACMG/AMP sequence variant interpretation guidelines (Richards et al. 2015 PMID: 25741868, with internal and published modifications).

Labcorp Genetics (formerly Invitae), Labcorp
Classification: Likely benign for Bardet-Biedl syndrome. Last evaluated: 2022-08-20. Review status: criteria provided, single submitter. Criteria: Invitae Variant Classification Sherloc (09022015). Collection method: clinical testing. Allele origin: germline.

NM_031885.5(BBS2):c.165C>T (p.Ser55=)

Gene: BBS2 (Bardet-Biedl syndrome 2; minus strand). Cytogenetic location: 16q13.
Variant type: single nucleotide variant.
Coding change: c.165C>T on transcript NM_031885.5 (MANE Select); coding-DNA position 165, C replaced by T.
Protein change: p.Ser55=; no amino-acid change (serine 55 retained).
Molecular consequence: synonymous variant. On other transcripts: non-coding transcript variant (5).
Genome position (GRCh38, 1-based): chr16:56,514,633, G>A on the plus strand (C>T on the coding strand, the complement: BBS2 is on the minus strand). VCF-style: chr16-56514633-G-A. GRCh37 (hg19) VCF-style: chr16-56548545-G-A.
Other names: c.165C>T (NM_031885.3); c.165C>T, p.Ser55= (NM_001377456.1).
Identifiers: ClinVar variation 1623480 (VCV001623480.9), dbSNP rs2144193611, ClinGen allele CA495588752.